The following is an entry in ClinVar:

ClinVar aggregate classification (germline): Uncertain significance (1 of 4 stars; one submission).

Conditions:
Atrial fibrillation, familial, 6 (ATFB6). Identifiers: MedGen C2677294, MONDO:0012816, OMIM 612201.

Allele frequency attached by ClinVar (database versions not stated): ExAC 0.00002; gnomAD 0.00002; gnomAD exomes 0.00002; TOPMed 0.00002.

Submission:

Labcorp Genetics (formerly Invitae), Labcorp
Classification: Uncertain significance for Atrial fibrillation, familial, 6. Last evaluated: 2025-08-14. Review status: criteria provided, single submitter. Criteria: Invitae Variant Classification Sherloc (09022015). Collection method: clinical testing. Allele origin: germline.
Comment: This sequence change replaces asparagine, which is neutral and polar, with serine, which is neutral and polar, at codon 30 of the NPPA protein (p.Asn30Ser). This variant is present in population databases (rs747690078, gnomAD 0.004%). This variant has not been reported in the literature in individuals affected with NPPA-related conditions. ClinVar contains an entry for this variant (Variation ID: 836403). An algorithm developed to predict the effect of missense changes on protein structure and function outputs the following: PolyPhen-2: "Benign". The serine amino acid residue is found in multiple mammalian species, which suggests that this missense change does not adversely affect protein function. In summary, the available evidence is currently insufficient to determine the role of this variant in disease. Therefore, it has been classified as a Variant of Uncertain Significance.

NM_006172.4(NPPA):c.89A>G (p.Asn30Ser)

Genes: NPPA (natriuretic peptide A; minus strand), NPPA-AS1 (NPPA antisense RNA 1; plus strand), LOC114827827 (VISTA enhancer hs2123; plus strand). Cytogenetic location: 1p36.22.
Variant type: single nucleotide variant.
Coding change: c.89A>G on transcript NM_006172.4 (MANE Select); coding-DNA position 89, A replaced by G.
Protein change: p.Asn30Ser; replaces asparagine 30 with serine.
Molecular consequence: missense variant. On other transcripts: non-coding transcript variant (1).
Genome position (GRCh38, 1-based): chr1:11,847,596, T>C on the plus strand (A>G on the coding strand, the complement: NPPA is on the minus strand). VCF-style: chr1-11847596-T-C. GRCh37 (hg19) VCF-style: chr1-11907653-T-C.
Other names: short protein forms N30S.
Identifiers: ClinVar variation 836403 (VCV000836403.7), dbSNP rs747690078, ClinGen allele CA597113.
Genomic context (GRCh38, chr1:11,847,596, plus strand): 5'-GACTGCACCCGCTTTCCTGGCCCTACCTTGAAATCCATCAGGTCTGCGTTGGACACGGCA[T>C]TGTACATGGGATTAGCTCTGGTCTGACCTAGGAGCTGGAATGCCAGTAAAAGGAGGAAGC-3'
Protein context (NP_006163.1, residues 20-40): LGQTRANPMY[Asn30Ser]AVSNADLMDF